The following is an entry in ClinVar:

NM_001080517.3(SETD5):c.3277A>T (p.Lys1093Ter)

Gene: SETD5 (SET domain containing 5; plus strand). Cytogenetic location: 3p25.3.
Variant type: single nucleotide variant.
Coding change: c.3277A>T on transcript NM_001080517.3 (MANE Select); coding-DNA position 3277, A replaced by T.
Protein change: p.Lys1093Ter; replaces lysine 1093 with a stop codon.
Molecular consequence: nonsense.
Genome position (GRCh38, 1-based): chr3:9,473,317, A>T. VCF-style: chr3-9473317-A-T. GRCh37 (hg19) VCF-style: chr3-9515001-A-T.
Other names: c.2983A>T, p.Lys995Ter (NM_001292043.2, NM_001349451.2); short protein forms K1093*, K995*.
Identifiers: ClinVar variation 422363 (VCV000422363.2), dbSNP rs1064795732, ClinGen allele CA16618014.

ClinVar aggregate classification (germline): Likely pathogenic (1 of 4 stars; one submission).

Submission:

GeneDx
Classification: Likely pathogenic. Last evaluated: 2017-04-19. Review status: criteria provided, single submitter. Criteria: GeneDx Variant Classification (06012015). Collection method: clinical testing. Allele origin: germline. Affected: yes.
Comment: The K1093X variant in the SETD5 gene has not been reported previously as a pathogenic variant, nor as a benign variant, to our knowledge. This variant is predicted to cause loss of normal protein function either through protein truncation or nonsense-mediated mRNA decay. The K1093X variant is not observed in large population cohorts (Lek et al., 2016; 1000 Genomes Consortium et al., 2015; Exome Variant Server). We interpret K1093X as a likely pathogenic variant.